The following is an entry in ClinVar:

ClinVar aggregate classification (germline): Uncertain significance. Review status: criteria provided, multiple submitters, no conflicts (2 of 4 stars). 3 submissions from 3 submitters: Uncertain significance (3). Last evaluated 2025-10-06.

Conditions:
Brugada syndrome. Also called: Sudden unexplained nocturnal death syndrome; Sudden unexpected nocturnal death syndrome; Sudden Unexplained Death Syndrome; Sudden Unexplained Nocturnal Death Syndrome (SUNDS). Identifiers: Orphanet 130, MedGen C1142166, MONDO:0015263.
Cardiovascular phenotype. Identifiers: MedGen CN230736.

gnomAD v4.1: 3 of 1,613,960 alleles (0.00019%); highest among the groups gnomAD compares: Non-Finnish European, 0.00025%; no homozygotes.

Submissions (3):

Labcorp Genetics (formerly Invitae), Labcorp
Classification: Uncertain significance for Brugada syndrome. Last evaluated: 2025-10-06. Review status: criteria provided, single submitter. Criteria: Invitae Variant Classification Sherloc (09022015). Collection method: clinical testing. Allele origin: germline.
Comment: This sequence change creates a premature translational stop signal (p.Trp850*) in the SCN10A gene. It is expected to result in an absent or disrupted protein product. However, the current clinical and genetic evidence is not sufficient to establish whether loss-of-function variants in SCN10A cause disease. This variant is not present in population databases (gnomAD no frequency). This variant has not been reported in the literature in individuals affected with SCN10A-related conditions. ClinVar contains an entry for this variant (Variation ID: 3793148). Algorithms developed to predict the effect of sequence changes on RNA splicing suggest that this variant may disrupt the consensus splice site. In summary, the available evidence is currently insufficient to determine the role of this variant in disease. Therefore, it has been classified as a Variant of Uncertain Significance.

Women's Health and Genetics/Laboratory Corporation of America, LabCorp
Classification: Uncertain significance. Last evaluated: 2025-03-18. Review status: criteria provided, single submitter. Criteria: LabCorp Variant Classification Summary - May 2015. Collection method: clinical testing. Allele origin: germline.
Comment: Variant summary: SCN10A c.2549G>A (p.Trp850X) results in a premature termination codon, predicted to cause a truncation of the encoded protein or absence of the protein due to nonsense mediated decay, however current evidence is not sufficient to establish loss of function as a mechanism for disease. The variant was absent in 251310 control chromosomes. The available data on variant occurrences in the general population are insufficient to allow any conclusion about variant significance. To our knowledge, no occurrence of c.2549G>A in individuals affected with Arrhythmia and no experimental evidence demonstrating its impact on protein function have been reported. No submitters have cited clinical-significance assessments for this variant to ClinVar. Based on the evidence outlined above, the variant was classified as uncertain significance.

Ambry Genetics
Classification: Uncertain significance for Cardiovascular phenotype. Last evaluated: 2025-02-13. Review status: criteria provided, single submitter. Criteria: Ambry Variant Classification Scheme 2023. Collection method: clinical testing. Allele origin: germline.
Comment: The p.W850* variant (also known as c.2549G>A), located in coding exon 15 of the SCN10A gene, results from a G to A substitution at nucleotide position 2549. This changes the amino acid from a tryptophan to a stop codon within coding exon 15. This alteration is expected to result in loss of function by premature protein truncation or nonsense-mediated mRNA decay. However, loss of function of SCN10A has not been clearly established as a mechanism of disease. The evidence for this gene-disease relationship is limited; therefore, the clinical significance of this alteration is unclear.

NM_006514.4(SCN10A):c.2549G>A (p.Trp850Ter)

Gene: SCN10A (sodium voltage-gated channel alpha subunit 10; minus strand). Cytogenetic location: 3p22.2.
Variant type: single nucleotide variant.
Coding change: c.2549G>A on transcript NM_006514.4 (MANE Select); coding-DNA position 2549, G replaced by A.
Protein change: p.Trp850Ter; replaces tryptophan 850 with a stop codon.
Molecular consequence: nonsense.
Genome position (GRCh38, 1-based): chr3:38,728,633, C>T on the plus strand (G>A on the coding strand, the complement: SCN10A is on the minus strand). VCF-style: chr3-38728633-C-T. GRCh37 (hg19) VCF-style: chr3-38770124-C-T.
Other names: c.2549G>A, p.Trp850Ter (NM_001293306.2); c.2255G>A, p.Trp752Ter (NM_001293307.2); short protein forms W752*, W850*.
Identifiers: ClinVar variation 3793148 (VCV003793148.3).
Genomic context (GRCh38, chr3:38,728,633, plus strand): 5'-AAAAGGATGAGGCATATGGATTTTTGGCCAACTTCCATGCAGGCCCACATGTTCTCAATC[C>T]ACTCTCCACAGAGGATACGGAAGACAATGAGGAAAGAGTGGAAGAAGTCGTGCATGTGCC-3'